The following is an entry in ClinVar:

NM_000535.7(PMS2):c.1486dup (p.His496fs)

Gene: PMS2 (PMS1 homolog 2, mismatch repair system component; minus strand). Cytogenetic location: 7p22.1.
Variant type: Duplication.
Coding change: c.1486dup on transcript NM_000535.7 (MANE Select); coding-DNA position 1486, one base duplicated (C; older notation c.1486dupC).
Protein change: p.His496fs; shifts the reading frame from histidine 496.
Molecular consequence: frameshift variant. On other transcripts: non-coding transcript variant (1), intron variant (1).
Genome position (GRCh38, 1-based): chr7:5,987,279, G duplicated on the plus strand (C on the coding strand, the reverse complement: PMS2 is on the minus strand). VCF-style (leftmost placement, unchanged base first): chr7-5987278-T-TG. GRCh37 (hg19) VCF-style: chr7-6026909-T-TG.
Other names: c.1081dup, p.His361Profs (NM_001018040.1); c.1081dup, p.His361fs (NM_001322003.2, NM_001322004.2, NM_001322005.2 and 16 more transcripts); c.1330dup, p.His444fs (NM_001322006.2, NM_001406870.1); c.1168dup, p.His390fs (NM_001322007.2, NM_001322008.2, NM_001406876.1 and 2 more transcripts); c.925dup, p.His309fs (NM_001322010.2, NM_001406906.1, NM_001406907.1); c.553dup, p.His185fs (NM_001322011.2, NM_001322012.2); c.913dup, p.His305fs (NM_001322013.2, NM_001406909.1); c.1486dup, p.His496fs (NM_001322014.2, NM_001406871.1, NM_001406872.1); and 14 more; short protein forms H185fs, H239fs, H305fs, H309fs, H325fs, H338fs, H341fs, H361fs.
Identifiers: ClinVar variation 2674249 (VCV002674249.1), dbSNP rs2535783217, ClinGen allele CA2695198436.

ClinVar aggregate classification (germline): Pathogenic (1 of 4 stars; one submission).

Conditions:
Lynch syndrome 4 (LYNCH4). Also called: Hereditary non-polyposis colorectal cancer, type 4; Colorectal cancer, hereditary nonpolyposis, type 4. Identifiers: Orphanet 144, MedGen C1838333, MONDO:0013699, OMIM 614337. Disease mechanism: loss of function.

Submission:

Myriad Genetics, Inc.
Classification: Pathogenic for Lynch syndrome 4. Last evaluated: 2023-07-05. Review status: criteria provided, single submitter. Criteria: Myriad Autosomal Dominant, Autosomal Recessive and X-Linked Classification Criteria (2023). Collection method: clinical testing. Allele origin: unknown.
Comment: This variant is considered pathogenic. This variant creates a frameshift predicted to result in premature protein truncation.